The following is an entry in ClinVar:

NM_020884.7(MYH7B):c.5305-1G>T

Gene: MYH7B (myosin heavy chain 7B; plus strand). Cytogenetic location: 20q11.22.
Variant type: single nucleotide variant.
Coding change: c.5305-1G>T on transcript NM_020884.7 (MANE Select); the canonical splice acceptor site of the intron before coding-DNA position 5305, G replaced by T.
Molecular consequence: splice acceptor variant.
Genome position (GRCh38, 1-based): chr20:35,000,987, G>T. VCF-style: chr20-35000987-G-T. GRCh37 (hg19) VCF-style: chr20-33588790-G-T.
Identifiers: ClinVar variation 2960835 (VCV002960835.3), dbSNP rs899809863, ClinGen allele CA313488628.

ClinVar aggregate classification (germline): Uncertain significance (1 of 4 stars; one submission).

Allele frequency attached by ClinVar (database versions not stated): gnomAD exomes 0.00003; gnomAD 0.00020; TOPMed 0.00020.
gnomAD v4.1: 49 of 1,613,740 alleles (0.003%); highest among the groups gnomAD compares: Admixed American, 0.073%; no homozygotes.

Submission:

Labcorp Genetics (formerly Invitae), Labcorp
Classification: Uncertain significance. Last evaluated: 2023-03-01. Review status: criteria provided, single submitter. Criteria: Invitae Variant Classification Sherloc (09022015). Collection method: clinical testing. Allele origin: germline.
Comment: Algorithms developed to predict the effect of sequence changes on RNA splicing suggest that this variant may disrupt the consensus splice site. This variant has not been reported in the literature in individuals affected with MYH7B-related conditions. In summary, the available evidence is currently insufficient to determine the role of this variant in disease. Therefore, it has been classified as a Variant of Uncertain Significance. This variant is present in population databases (no rsID available, gnomAD 0.04%). This sequence change affects an acceptor splice site in intron 40 of the MYH7B gene. It is expected to disrupt RNA splicing. Variants that disrupt the donor or acceptor splice site typically lead to a loss of protein function (PMID: 16199547), however the current clinical and genetic evidence is not sufficient to establish whether loss-of-function variants in MYH7B cause disease.

Literature cited by the submitters: PubMed 16199547.